The following is an entry in ClinVar:

NM_017636.4(TRPM4):c.1263+1G>A

Gene: TRPM4 (transient receptor potential cation channel subfamily M member 4; plus strand). Cytogenetic location: 19q13.33.
Variant type: single nucleotide variant.
Coding change: c.1263+1G>A on transcript NM_017636.4 (MANE Select); the canonical splice donor site of the intron after coding-DNA position 1263, G replaced by A.
Molecular consequence: splice donor variant. On other transcripts: intron variant (1).
Genome position (GRCh38, 1-based): chr19:49,181,462, G>A. VCF-style: chr19-49181462-G-A. GRCh37 (hg19) VCF-style: chr19-49684719-G-A.
Other names: c.1263+1G>A (NM_001195227.2); c.-291+1G>A (NM_001321282.2); c.918+1G>A (NM_001321281.2); c.741+1G>A (NM_001321283.2); c.202-1116G>A (NM_001321285.2).
Identifiers: ClinVar variation 1040686 (VCV001040686.12), dbSNP rs1321828986, ClinGen allele CA406798021.
Genomic context (GRCh38, chr19:49,181,462, plus strand): 5'-GCTTGGAACCGCGTGGACATTGCCCAGAGTGAACTCTTTCGGGGGGACATCCAATGGCGG[G>A]TGAGGGGTCAGGGCCTGGGGGTTGGGCATACTGACAAAGGGACTGTGCTGTCCTCCCTCT-3'

ClinVar aggregate classification (germline): Uncertain significance. Review status: criteria provided, multiple submitters, no conflicts (2 of 4 stars). 3 submissions from 3 submitters: Uncertain significance (3). Last evaluated 2025-09-20.

Conditions:
Progressive familial heart block type IB (PFHB1B). Identifiers: Orphanet 871, MedGen C1970298, MONDO:0011474, OMIM 604559.
Cardiovascular phenotype. Identifiers: MedGen CN230736.

Allele frequency attached by ClinVar (database versions not stated): gnomAD exomes below 0.00001; TOPMed 0.00003; gnomAD 0.00004.
gnomAD v4.1: 11 of 1,611,590 alleles (0.00068%); highest among the groups gnomAD compares: African/African-American, 0.0094%; no homozygotes.

Submissions (3):

Labcorp Genetics (formerly Invitae), Labcorp
Classification: Uncertain significance for Progressive familial heart block type IB. Last evaluated: 2025-09-20. Review status: criteria provided, single submitter. Criteria: Invitae Variant Classification Sherloc (09022015). Collection method: clinical testing. Allele origin: germline.
Comment: This sequence change affects a donor splice site in intron 10 of the TRPM4 gene. It is expected to disrupt RNA splicing. Variants that disrupt the donor or acceptor splice site typically lead to a loss of protein function (PMID: 16199547), however the current clinical and genetic evidence is not sufficient to establish whether loss-of-function variants in TRPM4 cause disease. This variant is present in population databases (no rsID available, gnomAD 0.02%). This variant has not been reported in the literature in individuals affected with TRPM4-related conditions. ClinVar contains an entry for this variant (Variation ID: 1040686). Algorithms developed to predict the effect of sequence changes on RNA splicing suggest that this variant may disrupt the consensus splice site. In summary, the available evidence is currently insufficient to determine the role of this variant in disease. Therefore, it has been classified as a Variant of Uncertain Significance.

Ambry Genetics
Classification: Uncertain significance for Cardiovascular phenotype. Last evaluated: 2025-03-31. Review status: criteria provided, single submitter. Criteria: Ambry Variant Classification Scheme 2023. Collection method: clinical testing. Allele origin: germline.
Comment: The c.1263+1G>A intronic variant results from a G to A substitution one nucleotide after coding exon 10 of the TRPM4 gene. This nucleotide position is highly conserved in available vertebrate species. In silico splice site analysis predicts that this alteration will weaken the native splice donor site and will result in the creation or strengthening of a novel splice donor site. Alterations that disrupt the canonical splice site are expected to cause aberrant splicing, resulting in an abnormal protein or a transcript that is subject to nonsense-mediated mRNA decay. However, loss of function of TRPM4 has not been clearly established as a mechanism of disease. Since supporting evidence is limited at this time, the clinical significance of this alteration remains unclear.

GeneDx
Classification: Uncertain significance. Last evaluated: 2022-10-04. Review status: criteria provided, single submitter. Criteria: GeneDx Variant Classification Process June 2021. Collection method: clinical testing. Allele origin: germline. Affected: yes.
Comment: Canonical splice site variant in a gene or region of a gene for which loss of function is not a well-established mechanism of disease; Has not been previously published as pathogenic or benign to our knowledge

Literature cited by the submitters: PubMed 16199547 (cited by Labcorp Genetics (formerly Invitae), Labcorp).